The following is an entry in ClinVar:

ClinVar aggregate classification (germline): Uncertain significance (1 of 4 stars; one submission).

Allele frequency attached by ClinVar (database versions not stated): gnomAD 0.00001; TOPMed 0.00001.

Submission:

Labcorp Genetics (formerly Invitae), Labcorp
Classification: Uncertain significance. Last evaluated: 2024-05-09. Review status: criteria provided, single submitter. Criteria: Invitae Variant Classification Sherloc (09022015). Collection method: clinical testing. Allele origin: germline.
Comment: This sequence change replaces histidine, which is basic and polar, with tyrosine, which is neutral and polar, at codon 1166 of the LRP5 protein (p.His1166Tyr). This variant is present in population databases (no rsID available, gnomAD 0.003%). This variant has not been reported in the literature in individuals affected with LRP5-related conditions. ClinVar contains an entry for this variant (Variation ID: 1972900). Advanced modeling of protein sequence and biophysical properties (such as structural, functional, and spatial information, amino acid conservation, physicochemical variation, residue mobility, and thermodynamic stability) performed at Invitae indicates that this missense variant is not expected to disrupt LRP5 protein function with a negative predictive value of 95%. In summary, the available evidence is currently insufficient to determine the role of this variant in disease. Therefore, it has been classified as a Variant of Uncertain Significance.

NM_002335.4(LRP5):c.3496C>T (p.His1166Tyr)

Gene: LRP5 (LDL receptor related protein 5; plus strand). Cytogenetic location: 11q13.2.
Variant type: single nucleotide variant.
Coding change: c.3496C>T on transcript NM_002335.4 (MANE Select); coding-DNA position 3496, C replaced by T.
Protein change: p.His1166Tyr; replaces histidine 1166 with tyrosine.
Molecular consequence: missense variant.
Genome position (GRCh38, 1-based): chr11:68,426,046, C>T. VCF-style: chr11-68426046-C-T. GRCh37 (hg19) VCF-style: chr11-68193514-C-T.
Other names: c.1753C>T, p.His585Tyr (NM_001291902.2); short protein forms H585Y, H1166Y.
Identifiers: ClinVar variation 1972900 (VCV001972900.5), dbSNP rs1192650776, ClinGen allele CA381621807.
Genomic context (GRCh38, chr11:68,426,046, plus strand): 5'-CGCCTGACCCTGGAGGACGCCAACATCGTGCAGCCTCTGGGCCTGACCATCCTTGGCAAG[C>T]ATCTCTACTGGATCGACCGCCAGCAGCAGATGATCGAGCGTGTGGAGAAGACCACCGGGG-3'
Protein context (NP_002326.2, residues 1156-1176): QPLGLTILGK[His1166Tyr]LYWIDRQQQM